The following is an entry in ClinVar:

NM_000384.3(APOB):c.12136C>T (p.Arg4046Trp)

Gene: APOB (apolipoprotein B; minus strand). Cytogenetic location: 2p24.1.
Variant type: single nucleotide variant.
Coding change: c.12136C>T on transcript NM_000384.3 (MANE Select); coding-DNA position 12136, C replaced by T.
Protein change: p.Arg4046Trp; replaces arginine 4046 with tryptophan.
Molecular consequence: missense variant.
Genome position (GRCh38, 1-based): chr2:21,003,286, G>A on the plus strand (C>T on the coding strand, the complement: APOB is on the minus strand). VCF-style: chr2-21003286-G-A. GRCh37 (hg19) VCF-style: chr2-21226158-G-A.
Other names: short protein forms R4046W.
Identifiers: ClinVar variation 927671 (VCV000927671.16), dbSNP rs200222843, ClinGen allele CA049329.

ClinVar aggregate classification (germline): Conflicting classifications of pathogenicity. Review status: criteria provided, conflicting classifications (1 of 4 stars). 5 submissions from 5 submitters: Uncertain significance (3); Likely benign (2). Last evaluated 2026-01-24.

Conditions:
Cardiovascular phenotype. Identifiers: MedGen CN230736.
Familial hypobetalipoproteinemia 1. Also called: Hypobetalipoproteinemia, normotriglyceridemic; Acanthocytosis with hypobetalipoproteinemia; APOB-Related Familial Hypobetalipoproteinemia. Identifiers: MedGen C4551990, MONDO:0014252, OMIM 615558.
Hypercholesterolemia, autosomal dominant, type B (FHCL2). Also called: Familial Hypercholesterolemia Type B; Familial hypercholesterolemia 2; Hyperlipoproteinemia Type IIb; HYPERCHOLESTEROLEMIA, FAMILIAL, DUE TO LIGAND-DEFECTIVE APOLIPOPROTEIN B; APOLIPOPROTEIN B-100, FAMILIAL DEFECTIVE; APOLIPOPROTEIN B-100, FAMILIAL LIGAND-DEFECTIVE. Identifiers: MedGen C1704417, MONDO:0007751, OMIM 144010.

Allele frequency attached by ClinVar (database versions not stated): TOPMed 0.00005; ExAC 0.00006; gnomAD exomes 0.00004 and 0.00008; ESP Exome Variant Server 0.00008; 1000 Genomes Project 30x 0.00016; 1000 Genomes Project 0.00020.
gnomAD v4.1: 133 of 1,613,584 alleles (0.0082%); highest among the groups gnomAD compares: Non-Finnish European, 0.01%; no homozygotes.

Submissions (5):

GeneDx
Classification: Uncertain significance. Last evaluated: 2026-01-24. Review status: criteria provided, single submitter. Criteria: GeneDx Variant Classification Process June 2021. Collection method: clinical testing. Allele origin: germline. Affected: yes.
Comment: Reported in a patient with severe coronary artery disease and hyperapobetalipoproteinemia; however, this variant did not segregate with hyperapobetalipoproteinemia in the family (PMID: 2778934); In silico analysis suggests that this missense variant does not alter protein structure/function; Also known as p.(R4019W); This variant is associated with the following publications: (PMID: 26608663, 9050776, 2778934, 11459425, Sharada2012[article], 25361584)

Labcorp Genetics (formerly Invitae), Labcorp
Classification: Likely benign for Familial hypobetalipoproteinemia 1; Hypercholesterolemia, autosomal dominant, type B. Last evaluated: 2025-12-07. Review status: criteria provided, single submitter. Criteria: Invitae Variant Classification Sherloc (09022015). Collection method: clinical testing. Allele origin: germline.

Ambry Genetics
Classification: Likely benign for Cardiovascular phenotype. Last evaluated: 2025-04-04. Review status: criteria provided, single submitter. Criteria: Ambry Variant Classification Scheme 2023. Collection method: clinical testing. Allele origin: germline.

Blueprint Genetics
Classification: Uncertain significance. Last evaluated: 2023-10-20. Review status: criteria provided, single submitter. Criteria: ACMG Guidelines, 2015. Collection method: clinical testing. Allele origin: germline.

Fulgent Genetics
Classification: Uncertain significance for Hypercholesterolemia, autosomal dominant, type B; Familial hypobetalipoproteinemia 1. Last evaluated: 2021-07-08. Review status: criteria provided, single submitter. Criteria: ACMG Guidelines, 2015. Collection method: clinical testing. Allele origin: unknown.

Literature cited by the submitters: PubMed 11459425 (cited by Ambry Genetics); PubMed 22534770 (cited by Ambry Genetics); PubMed 25361584 (cited by Ambry Genetics); PubMed 2778934 (cited by Ambry Genetics).